The following is an entry in ClinVar:

NM_024426.6(WT1):c.339T>G (p.Phe113Leu)

Genes: WT1 (WT1 transcription factor; minus strand), LOC107982234 (WT1/WT1-AS bi-directional promoter region; plus strand). Cytogenetic location: 11p13.
Variant type: single nucleotide variant.
Coding change: c.339T>G on transcript NM_024426.6 (MANE Select); coding-DNA position 339, T replaced by G.
Protein change: p.Phe113Leu; replaces phenylalanine 113 with leucine.
Molecular consequence: missense variant. On other transcripts: non-coding transcript variant (2).
Genome position (GRCh38, 1-based): chr11:32,435,022, A>C on the plus strand (T>G on the coding strand, the complement: WT1 is on the minus strand). VCF-style: chr11-32435022-A-C. GRCh37 (hg19) VCF-style: chr11-32456568-A-C.
Other names: c.339T>G, p.Phe113Leu (NM_000378.6, NM_001407044.1, NM_001407045.1 and 6 more transcripts); c.120T>G, p.Phe40Leu (NM_001429031.1, NM_001429032.1, NM_001429033.1 and 1 more transcripts); short protein forms F108L, F40L, F113L.
Identifiers: ClinVar variation 3982491 (VCV003982491.2).
Genomic context (GRCh38, chr11:32,435,022, plus strand): 5'-CGGAGCCGGTGGCGGCGCGGGGCCGCCCAACGACCCGTAAGCCGAAGCGCCCGGGGGCGC[A>C]AAGTCCAGCACCGGCGCCCACTGCGCCGCGCCGCTCACAGGCAGGGCACAGCCGCCGCCG-3'
Protein context (NP_077744.4, residues 103-123): GAAQWAPVLD[Phe113Leu]APPGASAYGS

ClinVar aggregate classification (germline): Uncertain significance (1 of 4 stars; one submission).

Conditions:
Inborn genetic diseases. Identifiers: MedGen C0950123, MeSH D030342.

gnomAD v4.1: 2 of 1,484,438 alleles (0.00013%); highest among the groups gnomAD compares: Non-Finnish European, 0.00018%; no homozygotes.

Submission:

Ambry Genetics
Classification: Uncertain significance for Inborn genetic diseases. Last evaluated: 2026-07-02. Review status: criteria provided, single submitter. Criteria: Ambry Variant Classification Scheme 2023. Collection method: clinical testing. Allele origin: germline.
Comment: The p.F108L variant (also known as c.324T>G), located in coding exon 1 of the WT1 gene, results from a T to G substitution at nucleotide position 324. The phenylalanine at codon 108 is replaced by leucine, an amino acid with highly similar properties. This amino acid position is conserved. In addition, this alteration is predicted to be tolerated by in silico analysis. Based on the available evidence, the clinical significance of this variant remains unclear.